The following is an entry in ClinVar:

ClinVar aggregate classification (germline): Uncertain significance (1 of 4 stars; one submission).

Conditions:
Werner syndrome (WRN). Identifiers: Orphanet 902, MedGen C0043119, MONDO:0010196, OMIM 277700.

Submission:

Labcorp Genetics (formerly Invitae), Labcorp
Classification: Uncertain significance for Werner syndrome. Last evaluated: 2023-01-17. Review status: criteria provided, single submitter. Criteria: Invitae Variant Classification Sherloc (09022015). Collection method: clinical testing. Allele origin: germline.
Comment: This sequence change replaces arginine, which is basic and polar, with threonine, which is neutral and polar, at codon 236 of the WRN protein (p.Arg236Thr). This variant is not present in population databases (gnomAD no frequency). This variant has not been reported in the literature in individuals affected with WRN-related conditions. Algorithms developed to predict the effect of missense changes on protein structure and function output the following: SIFT: "Not Available"; PolyPhen-2: "Benign"; Align-GVGD: "Not Available". The threonine amino acid residue is found in multiple mammalian species, which suggests that this missense change does not adversely affect protein function. In summary, the available evidence is currently insufficient to determine the role of this variant in disease. Therefore, it has been classified as a Variant of Uncertain Significance.

NM_000553.6(WRN):c.707G>C (p.Arg236Thr)

Gene: WRN (WRN RecQ like helicase; plus strand). Cytogenetic location: 8p12.
Variant type: single nucleotide variant.
Coding change: c.707G>C on transcript NM_000553.6 (MANE Select); coding-DNA position 707, G replaced by C.
Protein change: p.Arg236Thr; replaces arginine 236 with threonine.
Molecular consequence: missense variant.
Genome position (GRCh38, 1-based): chr8:31,068,310, G>C. VCF-style: chr8-31068310-G-C. GRCh37 (hg19) VCF-style: chr8-30925826-G-C.
Other names: short protein forms R236T.
Identifiers: ClinVar variation 2975045 (VCV002975045.3), dbSNP rs2535889488, ClinGen allele CA370917131.